The following is an entry in ClinVar:

ClinVar aggregate classification (germline): Uncertain significance (1 of 4 stars; one submission).

Conditions:
Ullrich congenital muscular dystrophy 2 (UCMD2). Identifiers: Orphanet 75840, MedGen C4225314, MONDO:0014654, OMIM 616470.
Bethlem myopathy 2 (BTHLM2). Identifiers: Orphanet 536516, Orphanet 610, MedGen C4225313, MONDO:0034022, OMIM 616471.

Submission:

Labcorp Genetics (formerly Invitae), Labcorp
Classification: Uncertain significance for Bethlem myopathy 2; Ullrich congenital muscular dystrophy 2. Last evaluated: 2025-12-29. Review status: criteria provided, single submitter. Criteria: Invitae Variant Classification Sherloc (09022015). Collection method: clinical testing. Allele origin: germline.
Comment: This sequence change falls in intron 47 of the COL12A1 gene. It does not directly change the encoded amino acid sequence of the COL12A1 protein. It affects a nucleotide within the consensus splice site. This variant is not present in population databases (gnomAD no frequency). This variant has not been reported in the literature in individuals affected with COL12A1-related conditions. Variants that disrupt the consensus splice site are a relatively common cause of aberrant splicing (PMID: 17576681, 9536098). Algorithms developed to predict the effect of sequence changes on RNA splicing suggest that this variant may disrupt the consensus splice site. In summary, the available evidence is currently insufficient to determine the role of this variant in disease. Therefore, it has been classified as a Variant of Uncertain Significance.

Literature cited by the submitters: PubMed 17576681; PubMed 9536098.

NM_004370.6(COL12A1):c.7520-3C>T

Gene: COL12A1 (collagen type XII alpha 1 chain; minus strand). Cytogenetic location: 6q13.
Variant type: single nucleotide variant.
Coding change: c.7520-3C>T on transcript NM_004370.6 (MANE Select); 3 bases into the intron before coding-DNA position 7520, C replaced by T.
Molecular consequence: intron variant.
Genome position (GRCh38, 1-based): chr6:75,116,060, G>A on the plus strand (C>T on the coding strand, the complement: COL12A1 is on the minus strand). VCF-style: chr6-75116060-G-A. GRCh37 (hg19) VCF-style: chr6-75825776-G-A.
Other names: c.4028-3C>T (NM_001424116.1, NM_080645.3); c.7247-3C>T (NM_001424115.1); c.7499-3C>T (NM_001424114.1); c.7520-3C>T (NM_001424113.1).
Identifiers: ClinVar variation 4794912 (VCV004794912.1).